The following is an entry in ClinVar:

ClinVar aggregate classification (germline): Uncertain significance (1 of 4 stars; one submission).

Conditions:
Familial adenomatous polyposis 1 (FAP1). Also called: POLYPOSIS, ADENOMATOUS INTESTINAL; FAMILIAL ADENOMATOUS POLYPOSIS 1, ATTENUATED. Identifiers: MedGen C2713442, MONDO:0021056, OMIM 175100. Disease mechanism: loss of function.

Submission:

Labcorp Genetics (formerly Invitae), Labcorp
Classification: Uncertain significance for Familial adenomatous polyposis 1. Last evaluated: 2025-06-19. Review status: criteria provided, single submitter. Criteria: Invitae Variant Classification Sherloc (09022015). Collection method: clinical testing. Allele origin: germline.
Comment: This variant occurs in a non-coding region of the APC gene. It does not change the encoded amino acid sequence of the APC protein. This variant is not present in population databases (gnomAD no frequency). This variant has not been reported in the literature in individuals affected with APC-related conditions. Experimental studies and prediction algorithms are not available or were not evaluated, and the functional significance of this variant is currently unknown. In summary, the available evidence is currently insufficient to determine the role of this variant in disease. Therefore, it has been classified as a Variant of Uncertain Significance.

NC_000005.10:g.112707408C>T

Gene: APC (APC regulator of Wnt signaling pathway; plus strand). Cytogenetic location: 5q22.2.
Variant type: single nucleotide variant.
Genome position: GRCh38 VCF-style: chr5-112707408-C-T. GRCh37 (hg19) VCF-style: chr5-112043105-C-T.
Identifiers: ClinVar variation 1020081 (VCV001020081.10), dbSNP rs989021062, ClinGen allele CA1573442262.